The following is an entry in ClinVar:

NM_006949.4(STXBP2):c.663+9G>T

Gene: STXBP2 (syntaxin binding protein 2; plus strand). Cytogenetic location: 19p13.2.
Variant type: single nucleotide variant.
Coding change: c.663+9G>T on transcript NM_006949.4 (MANE Select); 9 bases into the intron after coding-DNA position 663, G replaced by T.
Molecular consequence: intron variant.
Genome position (GRCh38, 1-based): chr19:7,642,127, G>T. VCF-style: chr19-7642127-G-T. GRCh37 (hg19) VCF-style: chr19-7707013-G-T.
Other names: p.?; c.567+9G>T (NM_001414484.1); c.696+9G>T (NM_001272034.2); c.654+9G>T (NM_001127396.3).
Identifiers: ClinVar variation 2896100 (VCV002896100.4), dbSNP rs761484606, ClinGen allele CA9143747.
Genomic context (GRCh38, chr19:7,642,127, plus strand): 5'-CGTCCTGGCCAAGCTGAACGCCTTCAAGGCAGACACTCCCAGTCTGGGCGAGGTGAGGGG[G>T]CGTGCTTGGGAGGTGAGGGGCAGCCCCAACCGGCTCAGGGTCAGTGCCTCATTCCTGCCC-3'

ClinVar aggregate classification (germline): Likely benign. Review status: criteria provided, multiple submitters, no conflicts (2 of 4 stars). 2 submissions from 2 submitters: Likely benign (2). Last evaluated 2025-10-22.

Conditions:
Familial hemophagocytic lymphohistiocytosis 5. Also called: STXBP2-Related Familial Hemophagocytic Lymphohistiocytosis (STXBP2-fHLH). Identifiers: Orphanet 540, MedGen C2751293, MONDO:0013135, OMIM 613101.

Allele frequency attached by ClinVar (database versions not stated): TOPMed below 0.00001; gnomAD exomes 0.00001; ExAC 0.00002.
gnomAD v4.1: 4 of 1,614,052 alleles (0.00025%); highest among the groups gnomAD compares: East Asian, 0.0067%; no homozygotes.

Submissions (2):

Mayo Clinic Laboratories, Mayo Clinic
Classification: Likely benign. Last evaluated: 2025-10-22. Review status: criteria provided, single submitter. Criteria: ACMG Guidelines, 2015. Collection method: clinical testing. Allele origin: germline. Observed: 1 variant allele.
Comment: BP4, BP7

Labcorp Genetics (formerly Invitae), Labcorp
Classification: Likely benign for Familial hemophagocytic lymphohistiocytosis 5. Last evaluated: 2025-05-19. Review status: criteria provided, single submitter. Criteria: Invitae Variant Classification Sherloc (09022015). Collection method: clinical testing. Allele origin: germline.